The following is an entry in ClinVar:

NM_006306.4(SMC1A):c.244A>G (p.Met82Val)

Gene: SMC1A (structural maintenance of chromosomes 1A; minus strand). Cytogenetic location: Xp11.22.
Variant type: single nucleotide variant.
Coding change: c.244A>G on transcript NM_006306.4 (MANE Select); coding-DNA position 244, A replaced by G.
Protein change: p.Met82Val; replaces methionine 82 with valine.
Molecular consequence: missense variant.
Genome position (GRCh38, 1-based): chrX:53,415,035, T>C on the plus strand (A>G on the coding strand, the complement: SMC1A is on the minus strand). VCF-style: chrX-53415035-T-C. GRCh37 (hg19) VCF-style: chrX-53441984-T-C.
Other names: c.178A>G, p.Met60Val (NM_001281463.1); short protein forms M60V, M82V.
Identifiers: ClinVar variation 1176939 (VCV001176939.35), dbSNP rs2146606672, ClinGen allele CA413132342.

ClinVar aggregate classification (germline): Conflicting classifications of pathogenicity. Review status: criteria provided, conflicting classifications (1 of 4 stars). 2 submissions from 2 submitters: Uncertain significance (1); Likely benign (1). Last evaluated 2026-03-23.

Conditions:
Congenital muscular hypertrophy-cerebral syndrome (CDLS2). Also called: SMC1A-Related Cornelia de Lange Syndrome; Cornelia de Lange syndrome 2. Identifiers: Orphanet 199, MedGen C1802395, MONDO:0010370, OMIM 300590.

Submissions (2):

Centre for Medical Genetics,  Mumbai
Classification: Likely benign for Congenital muscular hypertrophy-cerebral syndrome. Last evaluated: 2026-03-23. Review status: criteria provided, single submitter. Criteria: ACMG Guidelines, 2015. Collection method: provider interpretation. Allele origin: germline. Inheritance: X-linked dominant inheritance. Affected: no. Observed: 1 variant allele, 1 heterozygote.
Comment: The variant satisfies PM2 criteria; Extremely low frequency in gnomAD population databases. The variant satisfies PP2 criteria; Missense variant in a gene with low rate of benign missense mutations and for which missense mutation is a common mechanism of a disease. However, the variant satisfies BS2 criteria.

CeGaT Center for Human Genetics Tuebingen
Classification: Uncertain significance. Last evaluated: 2024-08-01. Review status: criteria provided, single submitter. Criteria: CeGaT Center For Human Genetics Tuebingen Variant Classification Criteria Version 2. Collection method: clinical testing. Allele origin: germline. Affected: yes. Observed: 2 variant alleles.
Comment: SMC1A: PM2, PP2

Literature cited by the submitters: PubMed 16604071 (cited by Centre for Medical Genetics,  Mumbai).